The following is an entry in ClinVar:

NM_002292.4(LAMB2):c.385+5G>A

Gene: LAMB2 (laminin subunit beta 2; minus strand). Cytogenetic location: 3p21.31.
Variant type: single nucleotide variant.
Coding change: c.385+5G>A on transcript NM_002292.4 (MANE Select); 5 bases into the intron after coding-DNA position 385, G replaced by A.
Molecular consequence: intron variant.
Genome position (GRCh38, 1-based): chr3:49,132,265, C>T on the plus strand (G>A on the coding strand, the complement: LAMB2 is on the minus strand). VCF-style: chr3-49132265-C-T. GRCh37 (hg19) VCF-style: chr3-49169698-C-T.
Identifiers: ClinVar variation 903072 (VCV000903072.6), dbSNP rs540191089, ClinGen allele CA2394952.

ClinVar aggregate classification (germline): Uncertain significance. Review status: criteria provided, multiple submitters, no conflicts (2 of 4 stars). 4 submissions from 3 submitters: Uncertain significance (4). Last evaluated 2022-09-07.

Conditions:
Pierson syndrome. Also called: MICROCORIA-CONGENITAL NEPHROTIC SYNDROME. Identifiers: Orphanet 2670, MedGen C1836876, MONDO:0012184, OMIM 609049.
LAMB2-related infantile-onset nephrotic syndrome. Also called: NEPHROTIC SYNDROME, TYPE 5, WITHOUT OCULAR ABNORMALITIES; NEPHROTIC SYNDROME, TYPE 5, WITH OCULAR ABNORMALITIES; Nephrotic Syndrome, type 5. Identifiers: Orphanet 306507, MedGen C3280113, MONDO:0013621, OMIM 614199.
Inborn genetic diseases. Identifiers: MedGen C0950123, MeSH D030342.

Allele frequency attached by ClinVar (database versions not stated): gnomAD exomes 0.00002 and 0.00006; TOPMed 0.00002; ExAC 0.00006; 1000 Genomes Project 30x 0.00016; 1000 Genomes Project 0.00020.
gnomAD v4.1: 29 of 1,614,240 alleles (0.0018%); highest among the groups gnomAD compares: South Asian, 0.029%; no homozygotes.

Submissions (4):

Labcorp Genetics (formerly Invitae), Labcorp
Classification: Uncertain significance for LAMB2-related infantile-onset nephrotic syndrome; Pierson syndrome. Last evaluated: 2022-09-07. Review status: criteria provided, single submitter. Criteria: Invitae Variant Classification Sherloc (09022015). Collection method: clinical testing. Allele origin: germline.
Comment: This sequence change falls in intron 3 of the LAMB2 gene. It does not directly change the encoded amino acid sequence of the LAMB2 protein. It affects a nucleotide within the consensus splice site. This variant is present in population databases (rs540191089, gnomAD 0.05%). This variant has not been reported in the literature in individuals affected with LAMB2-related conditions. ClinVar contains an entry for this variant (Variation ID: 903072). Variants that disrupt the consensus splice site are a relatively common cause of aberrant splicing (PMID: 17576681, 9536098). Algorithms developed to predict the effect of sequence changes on RNA splicing suggest that this variant may create or strengthen a splice site. In summary, the available evidence is currently insufficient to determine the role of this variant in disease. Therefore, it has been classified as a Variant of Uncertain Significance.

Ambry Genetics
Classification: Uncertain significance for Inborn genetic diseases. Last evaluated: 2021-07-08. Review status: criteria provided, single submitter. Criteria: Ambry Variant Classification Scheme 2023. Collection method: clinical testing. Allele origin: germline.
Comment: The c.385+5G>A intronic alteration consists of a G to A substitution nucleotides after coding exon 3 in the LAMB2 gene. Based on insufficient or conflicting evidence, the clinical significance of this alteration remains unclear.

Illumina Laboratory Services, Illumina
Classification: Uncertain significance for LAMB2-related infantile-onset nephrotic syndrome. Last evaluated: 2018-01-12. Review status: criteria provided, single submitter. Criteria: ICSL Variant Classification Criteria 13 December 2019. Collection method: clinical testing. Allele origin: germline.

Illumina Laboratory Services, Illumina
Classification: Uncertain significance for Pierson syndrome. Last evaluated: 2018-01-12. Review status: criteria provided, single submitter. Criteria: ICSL Variant Classification Criteria 13 December 2019. Collection method: clinical testing. Allele origin: germline.

Literature cited by the submitters: PubMed 17576681 (cited by Labcorp Genetics (formerly Invitae), Labcorp); PubMed 9536098 (cited by Labcorp Genetics (formerly Invitae), Labcorp).